The following is an entry in ClinVar:

NM_001852.4(COL9A2):c.237G>T (p.Lys79Asn)

Gene: COL9A2 (collagen type IX alpha 2 chain; minus strand). Cytogenetic location: 1p34.2.
Variant type: single nucleotide variant.
Coding change: c.237G>T on transcript NM_001852.4 (MANE Select); coding-DNA position 237, G replaced by T.
Protein change: p.Lys79Asn; replaces lysine 79 with asparagine.
Molecular consequence: missense variant.
Genome position (GRCh38, 1-based): chr1:40,314,217, C>A on the plus strand (G>T on the coding strand, the complement: COL9A2 is on the minus strand). VCF-style: chr1-40314217-C-A. GRCh37 (hg19) VCF-style: chr1-40779889-C-A.
Other names: short protein forms K79N.
Identifiers: ClinVar variation 1451119 (VCV001451119.8), dbSNP rs1425492242, ClinGen allele CA339858357.

ClinVar aggregate classification (germline): Uncertain significance (1 of 4 stars; one submission).

Submission:

Labcorp Genetics (formerly Invitae), Labcorp
Classification: Uncertain significance. Last evaluated: 2021-03-28. Review status: criteria provided, single submitter. Criteria: Invitae Variant Classification Sherloc (09022015). Collection method: clinical testing. Allele origin: germline.
Comment: In summary, the available evidence is currently insufficient to determine the role of this variant in disease. Therefore, it has been classified as a Variant of Uncertain Significance. Advanced modeling of protein sequence and biophysical properties (such as structural, functional, and spatial information, amino acid conservation, physicochemical variation, residue mobility, and thermodynamic stability) performed at Invitae indicates that this missense variant is not expected to disrupt COL9A2 protein function. This variant has not been reported in the literature in individuals with COL9A2-related conditions. This variant is not present in population databases (ExAC no frequency). This sequence change replaces lysine with asparagine at codon 79 of the COL9A2 protein (p.Lys79Asn). The lysine residue is highly conserved and there is a moderate physicochemical difference between lysine and asparagine.